The following is an entry in ClinVar:

NM_004318.4(ASPH):c.518del (p.Asp173fs)

Gene: ASPH (aspartate beta-hydroxylase; minus strand). Cytogenetic location: 8q12.3.
Variant type: Deletion.
Coding change: c.518del on transcript NM_004318.4 (MANE Select); coding-DNA position 518, one base deleted (A; older notation c.518delA).
Protein change: p.Asp173fs; shifts the reading frame from aspartic acid 173.
Molecular consequence: frameshift variant. On other transcripts: intron variant (2).
Genome position (GRCh38, 1-based): chr8:61,646,851, T deleted on the plus strand (A on the coding strand, the reverse complement: ASPH is on the minus strand). VCF-style (leftmost placement, unchanged base first): chr8-61646850-AT-A. GRCh37 (hg19) VCF-style: chr8-62559409-AT-A.
Other names: c.431del, p.Asp144fs (NM_001164750.2); c.476del, p.Asp159fs (NM_001164751.2, NM_001164752.2, NM_032468.5); c.518del, p.Asp173fs (NM_001164754.2, NM_032466.4); c.491-2219del (NM_001164755.2); c.449-2219del (NM_001164753.2); c.518del (NM_004318.3); short protein forms D144fs, D173fs, D159fs.
Identifiers: ClinVar variation 422209 (VCV000422209.21), dbSNP rs80163539, ClinGen allele CA4762206.

ClinVar aggregate classification (germline): Conflicting classifications of pathogenicity. Review status: criteria provided, conflicting classifications (1 of 4 stars). 3 submissions from 3 submitters: Uncertain significance (1); Benign (1); Likely benign (1). Last evaluated 2025-11-09.

Allele frequency attached by ClinVar (database versions not stated): gnomAD exomes 0.00051 and 0.00133; ExAC 0.00166; gnomAD 0.00514 and 0.00541; TOPMed 0.00587; ESP Exome Variant Server 0.00695; 1000 Genomes Project 0.00699; 1000 Genomes Project 30x 0.00765.

Submissions (3):

Labcorp Genetics (formerly Invitae), Labcorp
Classification: Benign. Last evaluated: 2025-11-09. Review status: criteria provided, single submitter. Criteria: Invitae Variant Classification Sherloc (09022015). Collection method: clinical testing. Allele origin: germline.

CeGaT Center for Human Genetics Tuebingen
Classification: Likely benign. Last evaluated: 2025-08-01. Review status: criteria provided, single submitter. Criteria: CeGaT Center For Human Genetics Tuebingen Variant Classification Criteria Version 2. Collection method: clinical testing. Allele origin: germline. Affected: yes. Observed: 1 variant allele.
Comment: ASPH: BS1

GeneDx
Classification: Uncertain significance. Last evaluated: 2022-07-14. Review status: criteria provided, single submitter. Criteria: GeneDx Variant Classification Process June 2021. Collection method: clinical testing. Allele origin: germline. Affected: yes.
Comment: Frameshift variant predicted to result in protein truncation or nonsense mediated decay in a gene for which loss of function is a known mechanism of disease